The following is an entry in ClinVar:

ClinVar aggregate classification (germline): Uncertain significance. Review status: criteria provided, multiple submitters, no conflicts (2 of 4 stars). 4 submissions from 4 submitters: Uncertain significance (2). 2 of the submissions do not count toward it. Last evaluated 2025-04-28.

Allele frequency attached by ClinVar (database versions not stated): TOPMed below 0.00001; ExAC 0.00002; gnomAD exomes 0.00002 and 0.00003.
gnomAD v4.1: 40 of 1,613,804 alleles (0.0025%); highest among the groups gnomAD compares: South Asian, 0.016%; no homozygotes.

Submissions (4):

Labcorp Genetics (formerly Invitae), Labcorp
Classification: Uncertain significance. Last evaluated: 2025-04-28. Review status: criteria provided, single submitter. Criteria: Invitae Variant Classification Sherloc (09022015). Collection method: clinical testing. Allele origin: germline.
Comment: This sequence change replaces leucine, which is neutral and non-polar, with phenylalanine, which is neutral and non-polar, at codon 1913 of the RP1 protein (p.Leu1913Phe). This variant is present in population databases (rs200853416, gnomAD 0.01%). This variant has not been reported in the literature in individuals affected with RP1-related conditions. ClinVar contains an entry for this variant (Variation ID: 1045914). An algorithm developed to predict the effect of missense changes on protein structure and function outputs the following: PolyPhen-2: "Benign". The phenylalanine amino acid residue is found in multiple mammalian species, which suggests that this missense change does not adversely affect protein function. In summary, the available evidence is currently insufficient to determine the role of this variant in disease. Therefore, it has been classified as a Variant of Uncertain Significance.

Blueprint Genetics
Classification: Uncertain significance. Last evaluated: 2024-08-12. Review status: criteria provided, single submitter. Criteria: ACMG Guidelines, 2015. Collection method: clinical testing. Allele origin: germline.

Clinical Genetics DNA and cytogenetics Diagnostics Lab, Erasmus MC, Erasmus Medical Center
Classification: Uncertain significance. Review status: no assertion criteria provided. Collection method: clinical testing. Allele origin: germline. Affected: yes. Study: VKGL Data-share Consensus. Not counted in ClinVar's aggregate classification.

Clinical Genetics, Academic Medical Center
Classification: Uncertain significance. Review status: no assertion criteria provided. Collection method: clinical testing. Allele origin: germline. Affected: yes. Study: VKGL Data-share Consensus. Not counted in ClinVar's aggregate classification.

NM_006269.2(RP1):c.5737C>T (p.Leu1913Phe)

Genes: RP1 (RP1 axonemal microtubule associated; plus strand), LOC126860392 (CDK7 strongly-dependent group 2 enhancer GRCh37_chr8:55541319-55542518; plus strand). Cytogenetic location: 8q12.1.
Variant type: single nucleotide variant.
Coding change: c.5737C>T on transcript NM_006269.2 (MANE Select); coding-DNA position 5737, C replaced by T.
Protein change: p.Leu1913Phe; replaces leucine 1913 with phenylalanine.
Molecular consequence: missense variant. On other transcripts: intron variant (1).
Genome position (GRCh38, 1-based): chr8:54,629,619, C>T. VCF-style: chr8-54629619-C-T. GRCh37 (hg19) VCF-style: chr8-55542179-C-T.
Other names: c.787+7331C>T (NM_001375654.1); short protein forms L1913F.
Identifiers: ClinVar variation 1045914 (VCV001045914.11), dbSNP rs200853416, ClinGen allele CA4752120.
Genomic context (GRCh38, chr8:54,629,619, plus strand): 5'-GGCAGTAATATGATTCATGGTACACTTCAGGAAGCTGACTCTTTGGATAAACTGTATGCT[C>T]TTTGTGGTCAACATTGCCCAATACTAACTGTTATTATCCAACCCATGAATGAGGAAGACC-3'
Protein context (NP_006260.1, residues 1903-1923): EADSLDKLYA[Leu1913Phe]CGQHCPILTV